The following is an entry in ClinVar:

NM_000051.4(ATM):c.583_598del (p.Thr195fs)

Gene: ATM (ATM serine/threonine kinase; plus strand). Cytogenetic location: 11q22.3.
Variant type: Deletion.
Coding change: c.583_598del on transcript NM_000051.4 (MANE Select); coding-DNA positions 583 to 598, 16 bases deleted (ACCAAAGGATGCTGTT).
Protein change: p.Thr195fs; shifts the reading frame from threonine 195.
Molecular consequence: frameshift variant.
Genome position (GRCh38, 1-based): chr11:108,244,039-108,244,054, ACCAAAGGATGCTGTT deleted; deleting any 16 consecutive bases within chr11:108,244,031-108,244,054 gives the same sequence; the c. name uses the placement nearest the transcript's 3' end. VCF-style (leftmost placement, unchanged base first): chr11-108244030-CATGCTGTTACCAAAGG-C. GRCh37 (hg19) VCF-style: chr11-108114757-CATGCTGTTACCAAAGG-C.
Other names: c.583_598del, p.Thr195fs (NM_001351834.2); short protein forms T195fs.
Identifiers: ClinVar variation 3222003 (VCV003222003.3), dbSNP rs2497131612, ClinGen allele CA2825001754.
Genomic context (GRCh38, chr11:108,244,030, plus strand): 5'-TTCAGGCTCTATCTGAAACCTTCACAAGATGTTCATAGAGTTTTAGTGGCTAGAATAATT[CATGCTGTTACCAAAGG>C]ATGCTGTTCTCAGACTGACGGATTAAATTCCAAATTTTTGGACTTTTTTTCCAAGGCTAT-3'

ClinVar aggregate classification (germline): Pathogenic. Review status: criteria provided, multiple submitters, no conflicts (2 of 4 stars). 2 submissions from 2 submitters: Pathogenic (2). Last evaluated 2025-11-17.

Conditions:
Hereditary cancer-predisposing syndrome. Also called: Hereditary Cancer Syndrome; Tumor predisposition; Neoplastic Syndromes, Hereditary; Hereditary neoplastic syndrome. Identifiers: Orphanet 140162, MedGen C0027672, MeSH D009386, MONDO:0015356.
Ataxia-telangiectasia syndrome (AT). Also called: ATAXIA-TELANGIECTASIA, COMPLEMENTATION GROUP A; Ataxia-telangiectasia, complementation group E; Cerebello-oculocutaneous telangiectasia; Immunodeficiency with ataxia telangiectasia; LOUIS-BAR SYNDROME; ATAXIA-TELANGIECTASIA, FRESNO VARIANT. Identifiers: Orphanet 100, MedGen C0004135, MONDO:0008840, OMIM 208900.

Submissions (2):

Labcorp Genetics (formerly Invitae), Labcorp
Classification: Pathogenic for Ataxia-telangiectasia syndrome. Last evaluated: 2025-11-17. Review status: criteria provided, single submitter. Criteria: Invitae Variant Classification Sherloc (09022015). Collection method: clinical testing. Allele origin: germline.
Comment: This sequence change creates a premature translational stop signal (p.Thr195Leufs*6) in the ATM gene. It is expected to result in an absent or disrupted protein product. Loss-of-function variants in ATM are known to be pathogenic (PMID: 23807571, 25614872). This variant is not present in population databases (gnomAD no frequency). This variant has not been reported in the literature in individuals affected with ATM-related conditions. ClinVar contains an entry for this variant (Variation ID: 3222003). For these reasons, this variant has been classified as Pathogenic.

Ambry Genetics
Classification: Pathogenic for Hereditary cancer-predisposing syndrome. Last evaluated: 2023-12-27. Review status: criteria provided, single submitter. Criteria: Ambry Variant Classification Scheme 2023. Collection method: clinical testing. Allele origin: germline.
Comment: The c.583_598del16 pathogenic mutation, located in coding exon 5 of the ATM gene, results from a deletion of 16 nucleotides at nucleotide positions 583 to 598, causing a translational frameshift with a predicted alternate stop codon (p.T195Lfs*6). This alteration is expected to result in loss of function by premature protein truncation or nonsense-mediated mRNA decay. As such, this alteration is interpreted as a disease-causing mutation.

Literature cited by the submitters: PubMed 23807571 (cited by Labcorp Genetics (formerly Invitae), Labcorp); PubMed 25614872 (cited by Labcorp Genetics (formerly Invitae), Labcorp).